The following is an entry in ClinVar:

NM_024675.4(PALB2):c.2861A>G (p.Glu954Gly)

Gene: PALB2 (partner and localizer of BRCA2; minus strand). Cytogenetic location: 16p12.2.
Variant type: single nucleotide variant.
Coding change: c.2861A>G on transcript NM_024675.4 (MANE Select); coding-DNA position 2861, A replaced by G.
Protein change: p.Glu954Gly; replaces glutamic acid 954 with glycine.
Molecular consequence: missense variant.
Genome position (GRCh38, 1-based): chr16:23,623,104, T>C on the plus strand (A>G on the coding strand, the complement: PALB2 is on the minus strand). VCF-style: chr16-23623104-T-C. GRCh37 (hg19) VCF-style: chr16-23634425-T-C.
Other names: short protein forms E954G.
Identifiers: ClinVar variation 530081 (VCV000530081.28), dbSNP rs375942535, ClinGen allele CA279533880.

ClinVar aggregate classification (germline): Conflicting classifications of pathogenicity. Review status: criteria provided, conflicting classifications (1 of 4 stars). 7 submissions from 7 submitters: Uncertain significance (5); Likely benign (2). Last evaluated 2026-06-29.

Conditions:
Hereditary cancer-predisposing syndrome. Also called: Hereditary Cancer Syndrome; Tumor predisposition; Hereditary neoplastic syndrome; Neoplastic Syndromes, Hereditary. Identifiers: Orphanet 140162, MedGen C0027672, MeSH D009386, MONDO:0015356.
Familial cancer of breast. Also called: Hereditary breast cancer; hereditary breast carcinoma; BREAST CANCER, FAMILIAL. Identifiers: Orphanet 227535, MedGen C0346153, MONDO:0016419, OMIM 114480. Disease mechanism: loss of function.
Fanconi anemia complementation group N. Also called: PALB2-Related Fanconi Anemia. Identifiers: Orphanet 84, MedGen C1835817, MONDO:0012565, OMIM 610832. Disease mechanism: loss of function.
Pancreatic cancer, susceptibility to, 3. Identifiers: Orphanet 1333, MedGen C3150547, MONDO:0013236, OMIM 613348.

Allele frequency attached by ClinVar (database versions not stated): gnomAD exomes below 0.00001 and 0.00001; TOPMed below 0.00001.
gnomAD v4.1: 4 of 1,614,036 alleles (0.00025%); highest among the groups gnomAD compares: East Asian, 0.0067%; no homozygotes.

Submissions (7):

Ambry Genetics
Classification: Likely benign for Hereditary cancer-predisposing syndrome. Last evaluated: 2026-06-29. Review status: criteria provided, single submitter. Criteria: Ambry Variant Classification Scheme 2023. Collection method: clinical testing. Allele origin: germline.

Labcorp Genetics (formerly Invitae), Labcorp
Classification: Uncertain significance for Familial cancer of breast. Last evaluated: 2025-12-23. Review status: criteria provided, single submitter. Criteria: Invitae Variant Classification Sherloc (09022015). Collection method: clinical testing. Allele origin: germline.
Comment: This sequence change replaces glutamic acid, which is acidic and polar, with glycine, which is neutral and non-polar, at codon 954 of the PALB2 protein (p.Glu954Gly). This variant is present in population databases (rs375942535, gnomAD 0.0009%). This variant has not been reported in the literature in individuals affected with PALB2-related conditions. ClinVar contains an entry for this variant (Variation ID: 530081). Invitae Evidence Modeling of protein sequence and biophysical properties (such as structural, functional, and spatial information, amino acid conservation, physicochemical variation, residue mobility, and thermodynamic stability) indicates that this missense variant is not expected to disrupt PALB2 protein function with a negative predictive value of 80%. In summary, the available evidence is currently insufficient to determine the role of this variant in disease. Therefore, it has been classified as a Variant of Uncertain Significance.

GeneDx
Classification: Uncertain significance. Last evaluated: 2024-01-28. Review status: criteria provided, single submitter. Criteria: GeneDx Variant Classification Process June 2021. Collection method: clinical testing. Allele origin: germline. Affected: yes.
Comment: Not observed at significant frequency in large population cohorts (gnomAD); In silico analysis supports that this missense variant has a deleterious effect on protein structure/function; Has not been previously published as pathogenic or benign to our knowledge; This variant is associated with the following publications: (PMID: 32091409, 24485656, 19609323, 20871615)

Baylor Genetics
Classification: Uncertain significance for Familial cancer of breast. Last evaluated: 2023-07-10. Review status: criteria provided, single submitter. Criteria: ACMG Guidelines, 2015. Collection method: clinical testing. Allele origin: unknown.

Color Diagnostics, LLC DBA Color Health
Classification: Uncertain significance for Hereditary cancer-predisposing syndrome. Last evaluated: 2022-08-16. Review status: criteria provided, single submitter. Criteria: ACMG Guidelines, 2015. Collection method: clinical testing. Allele origin: germline.
Comment: This missense variant replaces glutamic acid with glycine at codon 954 of the PALB2 protein. Computational prediction suggests that this variant may not impact protein structure and function (internally defined REVEL score threshold <= 0.5, PMID: 27666373). To our knowledge, functional studies have not been reported for this variant. In a large breast cancer case-control study conducted by the BRIDGES consortium, this variant was reported in 3/60466 cases and 1/53461 unaffected controls, showing inconclusive association with disease (OR= 2.653 (95%CI 0.276 to 25.502); p-value=0.628; Leiden Open Variation Database DB-ID PALB2_010824) (PMID: 33471991). This variant has been identified in 1/251368 chromosomes in the general population by the Genome Aggregation Database (gnomAD). The available evidence is insufficient to determine the role of this variant in disease conclusively. Therefore, this variant is classified as a Variant of Uncertain Significance.

Fulgent Genetics
Classification: Uncertain significance for Familial cancer of breast; Fanconi anemia complementation group N; Pancreatic cancer, susceptibility to, 3. Last evaluated: 2021-12-14. Review status: criteria provided, single submitter. Criteria: ACMG Guidelines, 2015. Collection method: clinical testing. Allele origin: unknown.

Blueprint Genetics
Classification: Likely benign. Last evaluated: 2021-09-13. Review status: criteria provided, single submitter. Criteria: ACMG Guidelines, 2015. Collection method: clinical testing. Allele origin: germline.

Literature cited by the submitters: PubMed 33471991 (cited by Color Diagnostics, LLC DBA Color Health).